The following is an entry in ClinVar:

NM_030777.4(SLC2A10):c.1518A>G (p.Ala506=)

Gene: SLC2A10 (solute carrier family 2 member 10; plus strand). Cytogenetic location: 20q13.12.
Variant type: single nucleotide variant.
Coding change: c.1518A>G on transcript NM_030777.4 (MANE Select); coding-DNA position 1518, A replaced by G.
Protein change: p.Ala506=; no amino-acid change (alanine 506 retained).
Molecular consequence: synonymous variant.
Genome position (GRCh38, 1-based): chr20:46,729,459, A>G. VCF-style: chr20-46729459-A-G. GRCh37 (hg19) VCF-style: chr20-45358098-A-G.
Identifiers: ClinVar variation 1200798 (VCV001200798.29), dbSNP rs548796220, ClinGen allele CA9892235.

ClinVar aggregate classification (germline): Likely benign. Review status: criteria provided, multiple submitters, no conflicts (2 of 4 stars). 4 submissions from 4 submitters: Likely benign (4). Last evaluated 2025-02-11.

Conditions:
Arterial tortuosity syndrome (ATORS). Identifiers: Orphanet 3342, MedGen C1859726, MONDO:0008818, OMIM 208050.
Familial thoracic aortic aneurysm and aortic dissection (TAAD). Also called: Thoracic aortic aneurysms and dissections. Identifiers: Orphanet 91387, MedGen C4707243, MONDO:0019625.

Allele frequency attached by ClinVar (database versions not stated): gnomAD 0.00001; ExAC 0.00002; gnomAD exomes 0.00002; TOPMed 0.00002; 1000 Genomes Project 0.00020; 1000 Genomes Project 30x 0.00031.
gnomAD v4.1: 35 of 1,614,016 alleles (0.0022%); highest among the groups gnomAD compares: Middle Eastern, 0.016%; no homozygotes.

Submissions (4):

Labcorp Genetics (formerly Invitae), Labcorp
Classification: Likely benign for Arterial tortuosity syndrome. Last evaluated: 2025-02-11. Review status: criteria provided, single submitter. Criteria: Invitae Variant Classification Sherloc (09022015). Collection method: clinical testing. Allele origin: germline.

CeGaT Center for Human Genetics Tuebingen
Classification: Likely benign. Last evaluated: 2024-08-01. Review status: criteria provided, single submitter. Criteria: CeGaT Center For Human Genetics Tuebingen Variant Classification Criteria Version 2. Collection method: clinical testing. Allele origin: germline. Affected: yes. Observed: 1 variant allele.
Comment: SLC2A10: BP4, BP7

Ambry Genetics
Classification: Likely benign for Familial thoracic aortic aneurysm and aortic dissection. Last evaluated: 2022-01-11. Review status: criteria provided, single submitter. Criteria: Ambry Variant Classification Scheme 2023. Collection method: clinical testing. Allele origin: germline.

GeneDx
Classification: Likely benign. Last evaluated: 2020-02-20. Review status: criteria provided, single submitter. Criteria: GeneDx Variant Classification Process June 2021. Collection method: clinical testing. Allele origin: germline. Affected: yes.